The following is an entry in ClinVar:

NM_003366.4(UQCRC2):c.323G>A (p.Gly108Asp)

Genes: PDZD9 (PDZ domain containing 9), UQCRC2 (ubiquinol-cytochrome c reductase core protein 2). Cytogenetic location: 16p12.2.
Variant type: single nucleotide variant.
Coding change: c.323G>A on transcript NM_003366.4 (MANE Select); coding-DNA position 323, G replaced by A.
Protein change: p.Gly108Asp; replaces glycine 108 with aspartic acid.
Molecular consequence: missense variant.
Genome position (GRCh38, 1-based): chr16:21,958,590, G>A. VCF-style: chr16-21958590-G-A. GRCh37 (hg19) VCF-style: chr16-21969911-G-A.
Other names: short protein forms G108D.
Identifiers: ClinVar variation 1177305 (VCV001177305.2), dbSNP rs2141927529, ClinGen allele CA395248602.

ClinVar aggregate classification (germline): Pathogenic (0 of 4 stars; one submission).

Conditions:
Mitochondrial complex III deficiency nuclear type 5. Identifiers: MedGen C3554608, MONDO:0014066, OMIM 615160.

Submission:

Neonatal Research Center, Shiraz University of Medical Science
Classification: Pathogenic for Mitochondrial complex III deficiency nuclear type 5. Review status: no assertion criteria provided. Collection method: research. Allele origin: germline. Inheritance: Autosomal recessive inheritance. Affected: yes. Observed: 1 variant allele, 1 homozygote.
Comment: The Gly108Asp variant was identified by whole-exome sequencing and confirmed by Sanger sequencing. The patients had hyperammonemia and hypoglycemia, repeatedly.